The following is an entry in ClinVar:

ClinVar aggregate classification (germline): Uncertain significance. Review status: criteria provided, multiple submitters, no conflicts (2 of 4 stars). 2 submissions from 2 submitters: Uncertain significance (2). Last evaluated 2026-03-24.

Conditions:
Neuroblastoma, susceptibility to, 3. Also called: ALK-Related Neuroblastic Tumor Susceptibility. Identifiers: Orphanet 635, MedGen C2751681, MONDO:0013083, OMIM 613014.
Hereditary cancer-predisposing syndrome. Also called: Tumor predisposition; Hereditary Cancer Syndrome; Neoplastic Syndromes, Hereditary; Hereditary neoplastic syndrome. Identifiers: Orphanet 140162, MedGen C0027672, MeSH D009386, MONDO:0015356.

gnomAD v4.1: 1 of 1,560,158 alleles (0.000064%); highest among the groups gnomAD compares: Non-Finnish European, 0.000087%; no homozygotes.

Submissions (2):

Ambry Genetics
Classification: Uncertain significance for Hereditary cancer-predisposing syndrome. Last evaluated: 2026-03-24. Review status: criteria provided, single submitter. Criteria: Ambry Variant Classification Scheme 2023. Collection method: clinical testing. Allele origin: germline.
Comment: The p.A118S variant (also known as c.352G>T), located in coding exon 1 of the ALK gene, results from a G to T substitution at nucleotide position 352. The alanine at codon 118 is replaced by serine, an amino acid with similar properties. This amino acid position is conserved. In addition, this alteration is predicted to be tolerated by in silico analysis. Based on the available evidence, the clinical significance of this variant remains unclear.

Labcorp Genetics (formerly Invitae), Labcorp
Classification: Uncertain significance for Neuroblastoma, susceptibility to, 3. Last evaluated: 2025-12-10. Review status: criteria provided, single submitter. Criteria: Invitae Variant Classification Sherloc (09022015). Collection method: clinical testing. Allele origin: germline.
Comment: This sequence change replaces alanine, which is neutral and non-polar, with serine, which is neutral and polar, at codon 118 of the ALK protein (p.Ala118Ser). This variant is not present in population databases (gnomAD no frequency). This variant has not been reported in the literature in individuals affected with ALK-related conditions. ClinVar contains an entry for this variant (Variation ID: 582734). An algorithm developed to predict the effect of missense changes on protein structure and function (PolyPhen-2) suggests that this variant is likely to be tolerated. In summary, the available evidence is currently insufficient to determine the role of this variant in disease. Therefore, it has been classified as a Variant of Uncertain Significance.

NM_004304.5(ALK):c.352G>T (p.Ala118Ser)

Gene: ALK (ALK receptor tyrosine kinase; minus strand). Cytogenetic location: 2p23.1.
Variant type: single nucleotide variant.
Coding change: c.352G>T on transcript NM_004304.5 (MANE Select); coding-DNA position 352, G replaced by T.
Protein change: p.Ala118Ser; replaces alanine 118 with serine.
Molecular consequence: missense variant.
Genome position (GRCh38, 1-based): chr2:29,920,308, C>A on the plus strand (G>T on the coding strand, the complement: ALK is on the minus strand). VCF-style: chr2-29920308-C-A. GRCh37 (hg19) VCF-style: chr2-30143174-C-A.
Other names: short protein forms A118S.
Identifiers: ClinVar variation 582734 (VCV000582734.9), dbSNP rs1383948379, ClinGen allele CA346590207.